The following is an entry in ClinVar:

ClinVar aggregate classification (germline): Benign/Likely benign. Review status: criteria provided, multiple submitters, no conflicts (2 of 4 stars). 3 submissions from 3 submitters: Benign (1); Likely benign (2). Last evaluated 2025-04-09.

Conditions:
Tuberous sclerosis 1 (TSC1). Identifiers: Orphanet 805, MedGen C1854465, MONDO:0008612, OMIM 191100.
Hereditary cancer-predisposing syndrome. Also called: Hereditary Cancer Syndrome; Hereditary neoplastic syndrome; Neoplastic Syndromes, Hereditary; Tumor predisposition. Identifiers: Orphanet 140162, MedGen C0027672, MeSH D009386, MONDO:0015356.

Submissions (3):

Myriad Genetics, Inc.
Classification: Benign for Tuberous sclerosis 1. Last evaluated: 2025-04-09. Review status: criteria provided, single submitter. Criteria: Myriad Autosomal Dominant, Autosomal Recessive and X-Linked Classification Criteria (2023). Collection method: clinical testing. Allele origin: unknown.
Comment: This variant is considered benign. This variant is a silent/synonymous amino acid change and it is not expected to impact splicing.

Ambry Genetics
Classification: Likely benign for Hereditary cancer-predisposing syndrome. Last evaluated: 2024-06-28. Review status: criteria provided, single submitter. Criteria: Ambry Variant Classification Scheme 2023. Collection method: clinical testing. Allele origin: germline.

Labcorp Genetics (formerly Invitae), Labcorp
Classification: Likely benign for Tuberous sclerosis 1. Last evaluated: 2024-03-14. Review status: criteria provided, single submitter. Criteria: Invitae Variant Classification Sherloc (09022015). Collection method: clinical testing. Allele origin: germline.

NM_000368.5(TSC1):c.1470C>T (p.Thr490=)

Gene: TSC1 (TSC complex subunit 1; minus strand). Cytogenetic location: 9q34.13.
Variant type: single nucleotide variant.
Coding change: c.1470C>T on transcript NM_000368.5 (MANE Select); coding-DNA position 1470, C replaced by T.
Protein change: p.Thr490=; no amino-acid change (threonine 490 retained).
Molecular consequence: synonymous variant. On other transcripts: non-coding transcript variant (5).
Genome position (GRCh38, 1-based): chr9:132,906,108, G>A on the plus strand (C>T on the coding strand, the complement: TSC1 is on the minus strand). VCF-style: chr9-132906108-G-A. GRCh37 (hg19) VCF-style: chr9-135781495-G-A.
Other names: c.1467C>T, p.Thr489= (NM_001162426.2, NM_001406597.1, NM_001406598.1 and 6 more transcripts); c.1317C>T, p.Thr439= (NM_001162427.2, NM_001406610.1); c.1107C>T, p.Thr369= (NM_001362177.2, NM_001406614.1, NM_001406615.1 and 5 more transcripts); c.1470C>T, p.Thr490= (NM_001406592.1, NM_001406593.1, NM_001406594.1 and 7 more transcripts); c.1314C>T, p.Thr438= (NM_001406611.1, NM_001406612.1, NM_001406613.1); c.1104C>T, p.Thr368= (NM_001406620.1, NM_001406621.1, NM_001406622.1 and 2 more transcripts); c.519C>T, p.Thr173= (NM_001406626.1); c.516C>T, p.Thr172= (NM_001406627.1, NM_001406628.1); and 1 more.
Identifiers: ClinVar variation 3462443 (VCV003462443.4).